The following is an entry in ClinVar:

ClinVar aggregate classification (germline): Uncertain significance. Review status: criteria provided, multiple submitters, no conflicts (2 of 4 stars). 2 submissions from 2 submitters: Uncertain significance (2). Last evaluated 2025-02-07.

Conditions:
RYR1-related disorder. Also called: RYR1-related disorders; RYR1-related condition. Identifiers: MedGen CN239331.
Central core myopathy (CMYO1A). Also called: Central core disease; Myopathy, central fibrillar; CONGENITAL MYOPATHY 1A, AUTOSOMAL DOMINANT, WITH SUSCEPTIBILITY TO MALIGNANT HYPERTHERMIA. Identifiers: Orphanet 597, MedGen C5830701, MONDO:0007294, OMIM 117000.

Submissions (2):

3billion
Classification: Uncertain significance for Central core myopathy. Last evaluated: 2025-02-07. Review status: criteria provided, single submitter. Criteria: ACMG Guidelines, 2015. Collection method: clinical testing. Allele origin: germline. Affected: yes.
Comment: The variant is not observed in the gnomAD v4.1.0 dataset. Predicted Consequence/Location: Missense variant In silico tool predictions suggest damaging effect of the variant on gene or gene product [REVEL: 0.84 (>=0.6, sensitivity 0.68 and specificity 0.92)]. The variant has been reported as of uncertain significance (ClinVar ID: VCV000566467). Different missense changes at the same codon have been reported as of uncertain significance (ClinVar ID: VCV002123026). Therefore, this variant is classified as VUS according to the recommendation of ACMG/AMP guideline.

Labcorp Genetics (formerly Invitae), Labcorp
Classification: Uncertain significance for RYR1-Related Disorders. Last evaluated: 2018-05-17. Review status: criteria provided, single submitter. Criteria: Invitae Variant Classification Sherloc (09022015). Collection method: clinical testing. Allele origin: germline.
Comment: This sequence change replaces methionine with lysine at codon 1939 of the RYR1 protein (p.Met1939Lys). The methionine residue is moderately conserved and there is a moderate physicochemical difference between methionine and lysine. This variant is not present in population databases (ExAC no frequency). This variant has not been reported in the literature in individuals with RYR1-related disease. Algorithms developed to predict the effect of missense changes on protein structure and function do not agree on the potential impact of this missense change (SIFT: "Deleterious"; PolyPhen-2: "Benign"; Align-GVGD: "Class C0"). In summary, the available evidence is currently insufficient to determine the role of this variant in disease. Therefore, it has been classified as a Variant of Uncertain Significance.

NM_000540.3(RYR1):c.5816T>A (p.Met1939Lys)

Gene: RYR1 (ryanodine receptor 1; plus strand). Cytogenetic location: 19q13.2.
Variant type: single nucleotide variant.
Coding change: c.5816T>A on transcript NM_000540.3 (MANE Select); coding-DNA position 5816, T replaced by A.
Protein change: p.Met1939Lys; replaces methionine 1939 with lysine.
Molecular consequence: missense variant.
Genome position (GRCh38, 1-based): chr19:38,490,077, T>A. VCF-style: chr19-38490077-T-A. GRCh37 (hg19) VCF-style: chr19-38980717-T-A.
Other names: c.5816T>A, p.Met1939Lys (NM_001042723.2); short protein forms M1939K.
Identifiers: ClinVar variation 566467 (VCV000566467.2), dbSNP rs1568489098, ClinGen allele CA405660252.